The following is an entry in ClinVar:

ClinVar aggregate classification (germline): Uncertain significance. Review status: criteria provided, multiple submitters, no conflicts (2 of 4 stars). 2 submissions from 2 submitters: Uncertain significance (2). Last evaluated 2025-11-27.

Conditions:
Inborn genetic diseases. Identifiers: MedGen C0950123, MeSH D030342.

Allele frequency attached by ClinVar (database versions not stated): gnomAD 0.00001; gnomAD exomes 0.00001.
gnomAD v4.1: 14 of 1,614,118 alleles (0.00087%); highest among the groups gnomAD compares: South Asian, 0.012%; no homozygotes.

Submissions (2):

Labcorp Genetics (formerly Invitae), Labcorp
Classification: Uncertain significance. Last evaluated: 2025-11-27. Review status: criteria provided, single submitter. Criteria: Invitae Variant Classification Sherloc (09022015). Collection method: clinical testing. Allele origin: germline.
Comment: This sequence change replaces alanine, which is neutral and non-polar, with aspartic acid, which is acidic and polar, at codon 2630 of the NSD1 protein (p.Ala2630Asp). This variant is not present in population databases (gnomAD no frequency). This variant has not been reported in the literature in individuals affected with NSD1-related conditions. ClinVar contains an entry for this variant (Variation ID: 2073825). Invitae Evidence Modeling of protein sequence and biophysical properties (such as structural, functional, and spatial information, amino acid conservation, physicochemical variation, residue mobility, and thermodynamic stability) indicates that this missense variant is not expected to disrupt NSD1 protein function with a negative predictive value of 95%. In summary, the available evidence is currently insufficient to determine the role of this variant in disease. Therefore, it has been classified as a Variant of Uncertain Significance.

Ambry Genetics
Classification: Uncertain significance for Inborn genetic diseases. Last evaluated: 2022-02-17. Review status: criteria provided, single submitter. Criteria: Ambry Variant Classification Scheme 2023. Collection method: clinical testing. Allele origin: germline.

NM_022455.5(NSD1):c.7889C>A (p.Ala2630Asp)

Gene: NSD1 (nuclear receptor binding SET domain protein 1; plus strand). Cytogenetic location: 5q35.3.
Variant type: single nucleotide variant.
Coding change: c.7889C>A on transcript NM_022455.5 (MANE Select); coding-DNA position 7889, C replaced by A.
Protein change: p.Ala2630Asp; replaces alanine 2630 with aspartic acid.
Molecular consequence: missense variant.
Genome position (GRCh38, 1-based): chr5:177,295,257, C>A. VCF-style: chr5-177295257-C-A. GRCh37 (hg19) VCF-style: chr5-176722258-C-A.
Other names: c.7016C>A, p.Ala2339Asp (NM_001365684.2, NM_001409308.1, NM_172349.5); c.7889C>A, p.Ala2630Asp (NM_001409301.1, NM_001409302.1, NM_001409303.1); c.7469C>A, p.Ala2490Asp (NM_001409304.1); c.7136C>A, p.Ala2379Asp (NM_001409305.1); c.7127C>A, p.Ala2376Asp (NM_001409306.1, NM_001409307.1); c.6767C>A, p.Ala2256Asp (NM_001409309.1); short protein forms A2630D, A2339D, A2376D, A2361D, A2379D, A2256D, A2490D.
Identifiers: ClinVar variation 2073825 (VCV002073825.5), dbSNP rs1581567867, ClinGen allele CA362334816.